The following is an entry in ClinVar:

NM_004928.3(CFAP410):c.286G>A (p.Glu96Lys)

Gene: CFAP410 (cilia and flagella associated protein 410; minus strand). Cytogenetic location: 21q22.3.
Variant type: single nucleotide variant.
Coding change: c.286G>A on transcript NM_004928.3 (MANE Select); coding-DNA position 286, G replaced by A.
Protein change: p.Glu96Lys; replaces glutamic acid 96 with lysine.
Molecular consequence: missense variant.
Genome position (GRCh38, 1-based): chr21:44,333,120, C>T on the plus strand (G>A on the coding strand, the complement: CFAP410 is on the minus strand). VCF-style: chr21-44333120-C-T. GRCh37 (hg19) VCF-style: chr21-45753003-C-T.
Other names: c.286G>A, p.Glu96Lys (NM_001271440.2, NM_001271441.2); c.163G>A, p.Glu55Lys (NM_001271442.1); c.286G>A (NM_004928.2); short protein forms E96K, E55K.
Identifiers: ClinVar variation 871478 (VCV000871478.52), dbSNP rs774614339, ClinGen allele CA410456670.
Genomic context (GRCh38, chr21:44,333,120, plus strand): 5'-GCAGGGTGCGCAGCACGGTCATGCGGTAGCGGTGGGGGCTGGTGCCGCAGCACGGGTTCT[C>T]GGCCAGCCACAGCACCCGCAGACGCGGCAGCCCCTTCAGGTAGAAGAGCTCAGCCAGGCT-3'
Protein context (NP_004919.1, residues 86-106): LPRLRVLWLA[Glu96Lys]NPCCGTSPHR

ClinVar aggregate classification (germline): Pathogenic/Likely pathogenic. Review status: criteria provided, multiple submitters, no conflicts (2 of 4 stars). 6 submissions from 6 submitters: Pathogenic (2); Likely pathogenic (4). Last evaluated 2025-08-03.

Conditions:
Retinal dystrophy with or without macular staphyloma. Identifiers: Orphanet 653709, MedGen C4479651, MONDO:0060507, OMIM 617547.
C21ORF2 & CFAP410-related disorders.
CFAP410-related disorder. Also called: CFAP410-related condition.

Allele frequency attached by ClinVar (database versions not stated): gnomAD 0.00002; TOPMed 0.00004.
gnomAD v4.1: 11 of 1,610,820 alleles (0.00068%); highest among the groups gnomAD compares: East Asian, 0.0022%; no homozygotes.

Submissions (6):

PreventionGenetics, part of Exact Sciences
Classification: Likely pathogenic for CFAP410-related condition. Last evaluated: 2025-08-03. Review status: criteria provided, single submitter. Criteria: ACMG Guidelines, 2015. Collection method: clinical testing. Allele origin: germline.
Comment: The CFAP410 c.286G>A variant is predicted to result in the amino acid substitution p.Glu96Lys. This variant has been reported in the compound heterozygous state and apparently homozygous state in indiviudals with inherited retinal disease (de Castro-Miró et al. 2016. PubMed ID: 28005958; Table S1, Lin et al. 2024. PubMed ID: 38219857; Table S2, Lin et al. 2024. PubMed ID: 38219857). This variant segregated with disease in two affected siblings (Fig S3, de Castro-Miró et al. 2016. PubMed ID: 28005958). This variant has not been reported in a large population database (gnomAD), indicating this variant is rare. This variant is interpreted as likely pathogenic.

Blueprint Genetics
Classification: Pathogenic for C21ORF2 & CFAP410-related disorders. Last evaluated: 2024-09-05. Review status: criteria provided, single submitter. Criteria: ACMG Guidelines, 2015. Collection method: clinical testing. Allele origin: germline. Affected: yes. Observed: 5 variant alleles.

Ocular Genomics Institute, Massachusetts Eye and Ear
Classification: Likely pathogenic for Retinal dystrophy with or without macular staphyloma. Last evaluated: 2024-01-17. Review status: criteria provided, single submitter. Criteria: ACMG Guidelines, 2015. Collection method: research. Allele origin: germline. Affected: yes. Observed: 1 variant allele.

Labcorp Genetics (formerly Invitae), Labcorp
Classification: Likely pathogenic. Last evaluated: 2022-07-11. Review status: criteria provided, single submitter. Criteria: Invitae Variant Classification Sherloc (09022015). Collection method: clinical testing. Allele origin: germline.
Comment: In summary, the currently available evidence indicates that the variant is pathogenic, but additional data are needed to prove that conclusively. Therefore, this variant has been classified as Likely Pathogenic. Algorithms developed to predict the effect of missense changes on protein structure and function (SIFT, PolyPhen-2, Align-GVGD) all suggest that this variant is likely to be disruptive. ClinVar contains an entry for this variant (Variation ID: 871478). This missense change has been observed in individual(s) with clinical features of inherited retinal dystrophies (PMID: 28005958; Invitae). In at least one individual the data is consistent with being in trans (on the opposite chromosome) from a pathogenic variant. It has also been observed to segregate with disease in related individuals. This variant is not present in population databases (gnomAD no frequency). This sequence change replaces glutamic acid, which is acidic and polar, with lysine, which is basic and polar, at codon 96 of the CFAP410 protein (p.Glu96Lys).

Genetics Laboratory, UDIAT-Centre Diagnòstic, Hospital Universitari Parc Tauli
Classification: Likely pathogenic. Last evaluated: 2021-04-26. Review status: criteria provided, single submitter. Criteria: Parc Tauli Hospital Assertion Criteria 2021. Collection method: clinical testing. Allele origin: inherited. Inheritance: Autosomal recessive inheritance. Affected: yes. Observed: 1 homozygote.
Comment: PM2_supporting;PM3_supporting;PP3_supporting;PP4_moderate;PP5_supporting;BP1_supporting

CeGaT Center for Human Genetics Tuebingen
Classification: Pathogenic. Last evaluated: 2017-10-01. Review status: criteria provided, single submitter. Criteria: CeGaT Center For Human Genetics Tuebingen Variant Classification Criteria Version 2. Collection method: clinical testing. Allele origin: germline. Affected: yes. Observed: 1 variant allele.

Literature cited by the submitters: PubMed 28005958 (cited by Labcorp Genetics (formerly Invitae), Labcorp).